The following is an entry in ClinVar:

ClinVar aggregate classification (germline): Likely pathogenic. Review status: criteria provided, multiple submitters, no conflicts (2 of 4 stars). 2 submissions from 2 submitters: Likely pathogenic (2). Last evaluated 2024-05-15.

Conditions:
LRAT-related disorder. Also called: LRAT-related condition.
Leber congenital amaurosis (LCA). Also called: Leber's amaurosis. Identifiers: Orphanet 65, MedGen C0339527, MeSH D057130, MONDO:0018998.

gnomAD v4.1: 16 of 1,614,006 alleles (0.00099%); highest among the groups gnomAD compares: Non-Finnish European, 0.0011%; no homozygotes.

Submissions (2):

Women's Health and Genetics/Laboratory Corporation of America, LabCorp
Classification: Likely pathogenic for Leber congenital amaurosis. Last evaluated: 2024-05-15. Review status: criteria provided, single submitter. Criteria: LabCorp Variant Classification Summary - May 2015. Collection method: clinical testing. Allele origin: germline.
Comment: Variant summary: LRAT c.470T>C (p.Leu157Pro) results in a non-conservative amino acid change located in the LRAT domain (IPR007053) of the encoded protein sequence. Four of five in-silico tools predict a damaging effect of the variant on protein function. The variant allele was found at a frequency of 4e-05 in 250930 control chromosomes. This frequency is not significantly higher than estimated for a pathogenic variant in LRAT causing Leber Congenital Amaurosis (4e-05 vs 0.0005), allowing no conclusion about variant significance. c.470T>C has been reported in the literature as homozygous in two individuals affected with retinitis pigmentosa (example: Areblom_2023). These data indicate that the variant is likely to be associated with disease. To our knowledge, no experimental evidence demonstrating an impact on protein function has been reported. The following publication has been ascertained in the context of this evaluation (PMID: 37510321). No submitters have cited clinical-significance assessments for this variant to ClinVar. Based on the evidence outlined above, the variant was classified as likely pathogenic.

Blueprint Genetics
Classification: Likely pathogenic for LRAT-related disorders. Last evaluated: 2021-11-23. Review status: criteria provided, single submitter. Criteria: ACMG Guidelines, 2015. Collection method: clinical testing. Allele origin: germline. Affected: yes. Observed: 5 variant alleles.

Literature cited by the submitters: PubMed 37510321 (cited by Women's Health and Genetics/Laboratory Corporation of America, LabCorp).

NM_004744.5(LRAT):c.470T>C (p.Leu157Pro)

Gene: LRAT (lecithin retinol acyltransferase; plus strand). Cytogenetic location: 4q32.1.
Variant type: single nucleotide variant.
Coding change: c.470T>C on transcript NM_004744.5 (MANE Select); coding-DNA position 470, T replaced by C.
Protein change: p.Leu157Pro; replaces leucine 157 with proline.
Molecular consequence: missense variant.
Genome position (GRCh38, 1-based): chr4:154,744,796, T>C. VCF-style: chr4-154744796-T-C. GRCh37 (hg19) VCF-style: chr4-155665948-T-C.
Other names: c.470T>C, p.Leu157Pro (NM_001301645.2); short protein forms L157P.
Identifiers: ClinVar variation 3336592 (VCV003336592.2).
Genomic context (GRCh38, chr4:154,744,796, plus strand): 5'-TCAACGAGGAGGTGGCGCGGAGGGCTGAAAAGCTGCTGGGCTTTACCCCCTACAGCCTGC[T>C]GTGGAACAACTGCGAGCACTTCGTGACCTACTGCAGATATGGCACCCCGATCAGTCCCCA-3'
Protein context (NP_004735.2, residues 147-167): KLLGFTPYSL[Leu157Pro]WNNCEHFVTY